The following is an entry in ClinVar:

ClinVar aggregate classification (germline): Uncertain significance (1 of 4 stars; one submission).

Conditions:
Oculofaciocardiodental syndrome (MCOPS2). Identifiers: Orphanet 2712, MedGen C1846265, MONDO:0010261, OMIM 300166.

Allele frequency attached by ClinVar (database versions not stated): gnomAD exomes below 0.00001.
gnomAD v4.1: 2 of 1,211,788 alleles (0.00017%); highest among the groups gnomAD compares: Non-Finnish European, 0.00022%; no homozygotes.

Submission:

Labcorp Genetics (formerly Invitae), Labcorp
Classification: Uncertain significance for Oculofaciocardiodental syndrome. Last evaluated: 2022-05-01. Review status: criteria provided, single submitter. Criteria: Invitae Variant Classification Sherloc (09022015). Collection method: clinical testing. Allele origin: germline.
Comment: In summary, the available evidence is currently insufficient to determine the role of this variant in disease. Therefore, it has been classified as a Variant of Uncertain Significance. Algorithms developed to predict the effect of missense changes on protein structure and function (SIFT, PolyPhen-2, Align-GVGD) all suggest that this variant is likely to be disruptive. This variant has not been reported in the literature in individuals affected with BCOR-related conditions. This variant is not present in population databases (gnomAD no frequency). This sequence change replaces valine, which is neutral and non-polar, with alanine, which is neutral and non-polar, at codon 20 of the BCOR protein (p.Val20Ala).

NM_001123385.2(BCOR):c.59T>C (p.Val20Ala)

Gene: BCOR (BCL6 corepressor; minus strand). Cytogenetic location: Xp11.4.
Variant type: single nucleotide variant.
Coding change: c.59T>C on transcript NM_001123385.2 (MANE Select); coding-DNA position 59, T replaced by C.
Protein change: p.Val20Ala; replaces valine 20 with alanine.
Molecular consequence: missense variant.
Genome position (GRCh38, 1-based): chrX:40,077,871, A>G on the plus strand (T>C on the coding strand, the complement: BCOR is on the minus strand). VCF-style: chrX-40077871-A-G. GRCh37 (hg19) VCF-style: chrX-39937124-A-G.
Other names: c.59T>C, p.Val20Ala (NM_001123383.2, NM_001123384.2, NM_017745.6); short protein forms V20A.
Identifiers: ClinVar variation 2199926 (VCV002199926.4), dbSNP rs2520275494, ClinGen allele CA16621960.